The following is an entry in ClinVar:

NM_001378452.1(ITPR1):c.5060C>T (p.Thr1687Ile)

Genes: BRRIAR (BHLHE40 and RIG-I regulating ITPR1 antisense RNA; minus strand), ITPR1 (inositol 1,4,5-trisphosphate receptor type 1; plus strand). Cytogenetic location: 3p26.1.
Variant type: single nucleotide variant.
Coding change: c.5060C>T on transcript NM_001378452.1 (MANE Select); coding-DNA position 5060, C replaced by T.
Protein change: p.Thr1687Ile; replaces threonine 1687 with isoleucine.
Molecular consequence: missense variant.
Genome position (GRCh38, 1-based): chr3:4,711,825, C>T. VCF-style: chr3-4711825-C-T. GRCh37 (hg19) VCF-style: chr3-4753509-C-T.
Other names: c.5033C>T, p.Thr1678Ile (NM_001099952.4); c.5015C>T, p.Thr1672Ile (NM_001168272.2); c.4988C>T, p.Thr1663Ile (NM_002222.7); short protein forms T1663I, T1672I, T1678I, T1687I.
Identifiers: ClinVar variation 4075520 (VCV004075520.1).
Genomic context (GRCh38, chr3:4,711,825, plus strand): 5'-AGCATACAAAACAGCTGCTAGAAGAAAATGAAGAGAAGCTCTGCATTAAGGTCCTACAGA[C>T]CCTGAGGGAAATGATGACCAAAGATAGAGGCTATGGAGAAAAGGTACTGCATTTTATTTT-3'
Protein context (NP_001365381.1, residues 1677-1697): EEKLCIKVLQ[Thr1687Ile]LREMMTKDRG

ClinVar aggregate classification (germline): Uncertain significance (1 of 4 stars; one submission).

Submission:

GeneDx
Classification: Uncertain significance. Last evaluated: 2025-02-15. Review status: criteria provided, single submitter. Criteria: GeneDx Variant Classification Process June 2021. Collection method: clinical testing. Allele origin: germline. Affected: yes.
Comment: Not observed at significant frequency in large population cohorts (gnomAD); In silico analysis supports that this missense variant has a deleterious effect on protein structure/function; Has not been previously published as pathogenic or benign to our knowledge